The following is an entry in ClinVar:

NM_007294.4(BRCA1):c.81-11T>A

Gene: BRCA1 (BRCA1 DNA repair associated; minus strand). Cytogenetic location: 17q21.31.
Variant type: single nucleotide variant.
Coding change: c.81-11T>A on transcript NM_007294.4 (MANE Select); 11 bases into the intron before coding-DNA position 81, T replaced by A.
Molecular consequence: intron variant.
Genome position (GRCh38, 1-based): chr17:43,115,790, A>T on the plus strand (T>A on the coding strand, the complement: BRCA1 is on the minus strand). VCF-style: chr17-43115790-A-T. GRCh37 (hg19) VCF-style: chr17-41267807-A-T.
Other names: c.-108-11T>A (NM_001408502.1, NM_001407951.1, NM_001407946.1 and 52 more transcripts); c.81-11T>A (NM_001407646.1, NM_001408445.1, NM_001408432.1 and 191 more transcripts); c.-339-11T>A (NM_001407965.1); c.-177-11T>A (NM_001407930.1, NM_001407843.1, NM_001408456.1 and 13 more transcripts); c.-181-11T>A (NM_001408465.1, NM_001407695.1); c.-61-11T>A (NM_001407920.1, NM_001408504.1, NM_001408463.1 and 47 more transcripts); c.-8+5768T>A (NM_001407751.1, NM_001407726.1); c.-224-11T>A (NM_001407900.1, NM_001408492.1, NM_001407889.1); and 10 more.
Identifiers: ClinVar variation 867451 (VCV000867451.3), dbSNP rs767144634, ClinGen allele CA916081045.

Conditions:
Breast-ovarian cancer, familial, susceptibility to, 1 (BROVCA1). Also called: BRCA1 Hereditary Breast and Ovarian Cancer; OVARIAN CANCER, SUSCEPTIBILITY TO. Identifiers: Orphanet 145, MedGen C2676676, MONDO:0011450, OMIM 604370. Disease mechanism: loss of function.

Submission:

Brotman Baty Institute, University of Washington
No classification provided (evidence only). Condition: Breast-ovarian cancer, familial 1. Review status: no classification provided. Collection method: in vitro. Allele origin: not applicable. Functional consequence: function_uncertain_variant.
ClinVar note: "not provided" was previously submitted as the classification for the variant. However, the classification appeared to be based only on an observation of functional data so it was converted to no classification on 2025-07-30.